The following is an entry in ClinVar:

ClinVar aggregate classification (germline): Pathogenic/Likely pathogenic. Review status: criteria provided, multiple submitters, no conflicts (2 of 4 stars). 3 submissions from 3 submitters: Pathogenic (2); Likely pathogenic (1). Last evaluated 2023-12-09.

Conditions:
Intellectual developmental disorder, autosomal dominant 64. Also called: MENTAL RETARDATION, AUTOSOMAL DOMINANT 64. Identifiers: MedGen C5543067, MONDO:0030934, OMIM 619188.
ZNF292-related disorder. Also called: ZNF292-related condition.

Submissions (3):

GeneDx
Classification: Pathogenic. Last evaluated: 2023-12-09. Review status: criteria provided, single submitter. Criteria: GeneDx Variant Classification Process June 2021. Collection method: clinical testing. Allele origin: germline.
Comment: Frameshift variant predicted to result in protein truncation, as the last 1580 amino acids are replaced with 4 different amino acids, and other loss-of-function variants have been reported downstream in HGMD; Not observed at significant frequency in large population cohorts (gnomAD); Has not been previously published as pathogenic or benign to our knowledge

Blueprint Genetics
Classification: Likely pathogenic for ZNF292-related disorders. Last evaluated: 2023-08-14. Review status: criteria provided, single submitter. Criteria: ACMG Guidelines, 2015. Collection method: clinical testing. Allele origin: germline. Affected: yes. Observed: 1 variant allele.

Victorian Clinical Genetics Services, Murdoch Childrens Research Institute
Classification: Pathogenic for Intellectual developmental disorder, autosomal dominant 64. Last evaluated: 2021-05-06. Review status: criteria provided, single submitter. Criteria: ACMG Guidelines, 2015. Collection method: clinical testing. Allele origin: germline. Inheritance: Autosomal dominant inheritance. Affected: yes.
Comment: Based on the classification scheme VCGS_Germline_v1.3.4, this variant is classified as Pathogenic. Following criteria are met: 0105 - The mechanism of disease for this gene is not clearly established. (I) 0107 - This gene is associated with autosomal dominant disease. To date, only heterozygous variants have been reported to cause disease in this gene (DECIPHER, PMID: 31723249). (I) 0204 - Variant is predicted to result in a truncated protein (premature termination codon is NOT located at least 54 nucleotides upstream of the final exon-exon junction) with at least 1/3 of the protein sequence affected. (SP) 0251 - This variant is heterozygous. (I) 0301 - Variant is absent from gnomAD (both v2 and v3). (SP) 0600 - Variant is located upstream of multiple annotated zinc finger motifs (NCBI, UniProt). (I) 0701 - Other truncating variants comparable to the one identified in this case have very strong previous evidence for pathogenicity. More than fifteen downstream truncating variants have previously been reported as pathogenic in individuals with ZNF292-related neurodevelopmental disorder (DECIPHER, PMID: 31723249). (SP) 0807 - This variant has no previous evidence of pathogenicity. (I) 0905 - No published segregation evidence has been identified for this variant. (I) 1007 - No published functional evidence has been identified for this variant. (I) Legend: (SP) - Supporting pathogenic, (I) - Information, (SB) - Supporting benign

Literature cited by the submitters: PubMed 31723249 (cited by Victorian Clinical Genetics Services, Murdoch Childrens Research Institute).

NM_015021.3(ZNF292):c.3432_3436del (p.Asn1144fs)

Gene: ZNF292 (zinc finger protein 292; plus strand). Cytogenetic location: 6q14.3.
Variant type: Deletion.
Coding change: c.3432_3436del on transcript NM_015021.3 (MANE Select); coding-DNA positions 3432 to 3436, 5 bases deleted (CTTAA; older notation c.3432_3436delCTTAA).
Protein change: p.Asn1144fs; shifts the reading frame from asparagine 1144.
Molecular consequence: frameshift variant.
Genome position (GRCh38, 1-based): chr6:87,257,061-87,257,065, CTTAA deleted; deleting any 5 consecutive bases within chr6:87,257,059-87,257,065 gives the same sequence; the c. name uses the placement nearest the transcript's 3' end. VCF-style (leftmost placement, unchanged base first): chr6-87257058-CAACTT-C. GRCh37 (hg19) VCF-style: chr6-87966776-CAACTT-C.
Other names: c.3012_3016del, p.Asn1004fs (NM_001351444.2); short protein forms N1004fs, N1144fs.
Identifiers: ClinVar variation 1803333 (VCV001803333.4), dbSNP rs2482313661, ClinGen allele CA1139771290.
Genomic context (GRCh38, chr6:87,257,058, plus strand): 5'-CCCTGACCAATATGCTGCATTTAAAATGCAGCGCAAAAGTAAAAAAGGTCAGAAAGCTAA[CAACTT>C]AAATACACCAAATAATGGAAAGTTTGTTTATTTTTTGCCATCACCGGTGAACAGCTCAAA-3'